The following is an entry in ClinVar:

ClinVar aggregate classification (germline): Uncertain significance (1 of 4 stars; one submission).

Conditions:
Autosomal recessive limb-girdle muscular dystrophy type 2A (LGMDR1). Also called: Limb-girdle muscular dystrophy, type 2A; Calpainopathy; LEYDEN-MOEBIUS MUSCULAR DYSTROPHY; Muscular dystrophy, limb-girdle, type 2A, Amish; MUSCULAR DYSTROPHY, PELVOFEMORAL. Identifiers: Orphanet 267, MedGen C1869123, MONDO:0009675, OMIM 253600. Disease mechanism: loss of function.

Submission:

Labcorp Genetics (formerly Invitae), Labcorp
Classification: Uncertain significance for Autosomal recessive limb-girdle muscular dystrophy type 2A. Last evaluated: 2022-02-08. Review status: criteria provided, single submitter. Criteria: Invitae Variant Classification Sherloc (09022015). Collection method: clinical testing. Allele origin: germline.
Comment: This sequence change replaces proline, which is neutral and non-polar, with arginine, which is basic and polar, at codon 2 of the CAPN3 protein (p.Pro2Arg). This variant is not present in population databases (gnomAD no frequency). This variant has not been reported in the literature in individuals affected with CAPN3-related conditions. Algorithms developed to predict the effect of missense changes on protein structure and function are either unavailable or do not agree on the potential impact of this missense change (SIFT: "Deleterious"; PolyPhen-2: "Possibly Damaging"; Align-GVGD: "Class C0"). In summary, the available evidence is currently insufficient to determine the role of this variant in disease. Therefore, it has been classified as a Variant of Uncertain Significance.

NM_000070.3(CAPN3):c.5C>G (p.Pro2Arg)

Gene: CAPN3 (calpain 3; plus strand). Cytogenetic location: 15q15.1.
Variant type: single nucleotide variant.
Coding change: c.5C>G on transcript NM_000070.3 (MANE Select); coding-DNA position 5, C replaced by G.
Protein change: p.Pro2Arg; replaces proline 2 with arginine.
Molecular consequence: missense variant.
Genome position (GRCh38, 1-based): chr15:42,359,810, C>G. VCF-style: chr15-42359810-C-G. GRCh37 (hg19) VCF-style: chr15-42652008-C-G.
Other names: c.5C>G, p.Pro2Arg (NM_024344.2, NM_173087.2); short protein forms P2R.
Identifiers: ClinVar variation 2189718 (VCV002189718.1), dbSNP rs373919252, ClinGen allele CA391993769.